The following is an entry in ClinVar:

ClinVar aggregate classification (germline): Benign/Likely benign. Review status: criteria provided, multiple submitters, no conflicts (2 of 4 stars). 5 submissions from 5 submitters: Benign (1); Likely benign (4). Last evaluated 2025-10-01.

Conditions:
Hereditary cancer-predisposing syndrome. Also called: Neoplastic Syndromes, Hereditary; Hereditary Cancer Syndrome; Tumor predisposition; Hereditary neoplastic syndrome. Identifiers: Orphanet 140162, MedGen C0027672, MeSH D009386, MONDO:0015356.
Ataxia-telangiectasia syndrome (AT). Also called: LOUIS-BAR SYNDROME; Cerebello-oculocutaneous telangiectasia; Immunodeficiency with ataxia telangiectasia; Ataxia-telangiectasia, complementation group D; AT, COMPLEMENTATION GROUP C; Ataxia-telangiectasia, complementation group E. Identifiers: Orphanet 100, MedGen C0004135, MONDO:0008840, OMIM 208900.
Familial cancer of breast. Also called: Hereditary breast cancer; BREAST CANCER, FAMILIAL; hereditary breast carcinoma. Identifiers: Orphanet 227535, MedGen C0346153, MONDO:0016419, OMIM 114480. Disease mechanism: loss of function.

Allele frequency attached by ClinVar (database versions not stated): gnomAD exomes below 0.00001 and 0.00001; ExAC 0.00001.
gnomAD v4.1: 1 of 1,613,928 alleles (0.000062%); highest among the groups gnomAD compares: Non-Finnish European, 0.000085%; no homozygotes.

Submissions (5):

Labcorp Genetics (formerly Invitae), Labcorp
Classification: Likely benign for Ataxia-telangiectasia syndrome. Last evaluated: 2025-10-01. Review status: criteria provided, single submitter. Criteria: Invitae Variant Classification Sherloc (09022015). Collection method: clinical testing. Allele origin: germline.

Myriad Genetics, Inc.
Classification: Benign for Familial cancer of breast. Last evaluated: 2024-06-12. Review status: criteria provided, single submitter. Criteria: Myriad Autosomal Dominant, Autosomal Recessive and X-Linked Classification Criteria (2023). Collection method: clinical testing. Allele origin: unknown.
Comment: This variant is considered benign. This variant is a silent/synonymous amino acid change and it is not expected to impact splicing.

Color Diagnostics, LLC DBA Color Health
Classification: Likely benign for Hereditary cancer-predisposing syndrome. Last evaluated: 2019-03-12. Review status: criteria provided, single submitter. Criteria: ACMG Guidelines, 2015. Collection method: clinical testing. Allele origin: germline.

Ambry Genetics
Classification: Likely benign for Hereditary cancer-predisposing syndrome. Last evaluated: 2016-06-03. Review status: criteria provided, single submitter. Criteria: Ambry Variant Classification Scheme 2023. Collection method: clinical testing. Allele origin: germline.

Breakthrough Genomics
Classification: Likely benign. Review status: criteria provided, single submitter. Criteria: ACMG Guidelines, 2015. Collection method: not provided. Allele origin: germline. Inheritance: Autosomal recessive inheritance. Affected: yes.

NM_000051.4(ATM):c.6924C>A (p.Ala2308=)

Genes: C11orf65 (chromosome 11 open reading frame 65; minus strand), ATM (ATM serine/threonine kinase; plus strand). Cytogenetic location: 11q22.3.
Variant type: single nucleotide variant.
Coding change: c.6924C>A on transcript NM_000051.4 (MANE Select); coding-DNA position 6924, C replaced by A.
Protein change: p.Ala2308=; no amino-acid change (alanine 2308 retained).
Molecular consequence: synonymous variant. On other transcripts: intron variant (2).
Genome position (GRCh38, 1-based): chr11:108,326,174, C>A. VCF-style: chr11-108326174-C-A. GRCh37 (hg19) VCF-style: chr11-108196901-C-A.
Other names: c.6924C>A, p.Ala2308= (NM_001351834.2); c.641-17103G>T (NM_001330368.2); c.*38+9046G>T (NM_001351110.2).
Identifiers: ClinVar variation 453650 (VCV000453650.20), dbSNP rs759878732, ClinGen allele CA6266032.